The following is an entry in ClinVar:

NM_004380.3(CREBBP):c.793G>A (p.Ala265Thr)

Gene: CREBBP (CREB binding lysine acetyltransferase; minus strand). Cytogenetic location: 16p13.3.
Variant type: single nucleotide variant.
Coding change: c.793G>A on transcript NM_004380.3 (MANE Select); coding-DNA position 793, G replaced by A.
Protein change: p.Ala265Thr; replaces alanine 265 with threonine.
Molecular consequence: missense variant.
Genome position (GRCh38, 1-based): chr16:3,850,302, C>T on the plus strand (G>A on the coding strand, the complement: CREBBP is on the minus strand). VCF-style: chr16-3850302-C-T. GRCh37 (hg19) VCF-style: chr16-3900303-C-T.
Other names: c.793G>A, p.Ala265Thr (NM_001079846.1); short protein forms A265T.
Identifiers: ClinVar variation 2440553 (VCV002440553.7), dbSNP rs753319377, ClinGen allele CA7870606.

ClinVar aggregate classification (germline): Conflicting classifications of pathogenicity. Review status: criteria provided, conflicting classifications (1 of 4 stars). 3 submissions from 3 submitters: Uncertain significance (2); Likely benign (1). Last evaluated 2025-01-13.

Conditions:
CREBBP-related disorder. Also called: CREBBP-related condition; CREBBP-related disorders.
Inborn genetic diseases. Identifiers: MedGen C0950123, MeSH D030342.

Allele frequency attached by ClinVar (database versions not stated): gnomAD exomes below 0.00001; ExAC 0.00001; gnomAD 0.00001; TOPMed 0.00001.
gnomAD v4.1: 7 of 1,614,112 alleles (0.00043%); highest among the groups gnomAD compares: Non-Finnish European, 0.00051%; no homozygotes.

Submissions (3):

PreventionGenetics, part of Exact Sciences
Classification: Uncertain significance for CREBBP-related condition. Last evaluated: 2025-01-13. Review status: criteria provided, single submitter. Criteria: ACMG Guidelines, 2015. Collection method: clinical testing. Allele origin: germline.
Comment: The CREBBP c.793G>A variant is predicted to result in the amino acid substitution p.Ala265Thr. To our knowledge, this variant has not been reported in the literature. This variant is reported in 0.00089% of alleles in individuals of European (Non-Finnish) descent in gnomAD. At this time, the clinical significance of this variant is uncertain due to the absence of conclusive functional and genetic evidence.

Ambry Genetics
Classification: Likely benign for Inborn genetic diseases. Last evaluated: 2023-07-05. Review status: criteria provided, single submitter. Criteria: Ambry Variant Classification Scheme 2023. Collection method: clinical testing. Allele origin: germline.

Revvity Omics, Revvity
Classification: Uncertain significance. Last evaluated: 2020-05-13. Review status: criteria provided, single submitter. Criteria: ACMG Guidelines, 2015. Collection method: clinical testing. Allele origin: germline.